The following is an entry in ClinVar:

NM_004311.4(ARL3):c.233G>A (p.Trp78Ter)

Gene: ARL3 (ARF like GTPase 3; minus strand). Cytogenetic location: 10q24.32.
Variant type: single nucleotide variant.
Coding change: c.233G>A on transcript NM_004311.4 (MANE Select); coding-DNA position 233, G replaced by A.
Protein change: p.Trp78Ter; replaces tryptophan 78 with a stop codon.
Molecular consequence: nonsense.
Genome position (GRCh38, 1-based): chr10:102,699,404, C>T on the plus strand (G>A on the coding strand, the complement: ARL3 is on the minus strand). VCF-style: chr10-102699404-C-T. GRCh37 (hg19) VCF-style: chr10-104459161-C-T.
Other names: short protein forms W78*.
Identifiers: ClinVar variation 3653051 (VCV003653051.3).

ClinVar aggregate classification (germline): Uncertain significance. Review status: criteria provided, multiple submitters, no conflicts (2 of 4 stars). 2 submissions from 2 submitters: Uncertain significance (2). Last evaluated 2024-07-15.

gnomAD v4.1: 5 of 1,609,304 alleles (0.00031%); highest among the groups gnomAD compares: Admixed American, 0.0017%; no homozygotes.

Submissions (2):

Blueprint Genetics
Classification: Uncertain significance. Last evaluated: 2024-07-15. Review status: criteria provided, single submitter. Criteria: ACMG Guidelines, 2015. Collection method: clinical testing. Allele origin: germline.

Labcorp Genetics (formerly Invitae), Labcorp
Classification: Uncertain significance. Last evaluated: 2024-05-11. Review status: criteria provided, single submitter. Criteria: Invitae Variant Classification Sherloc (09022015). Collection method: clinical testing. Allele origin: germline.
Comment: This sequence change creates a premature translational stop signal (p.Trp78*) in the ARL3 gene. It is expected to result in an absent or disrupted protein product. However, the current clinical and genetic evidence is not sufficient to establish whether loss-of-function variants in ARL3 cause disease. This variant is present in population databases (rs748177469, gnomAD 0.002%). This variant has not been reported in the literature in individuals affected with ARL3-related conditions. In summary, the available evidence is currently insufficient to determine the role of this variant in disease. Therefore, it has been classified as a Variant of Uncertain Significance.